The following is an entry in ClinVar:

NM_005245.4(FAT1):c.9704A>G (p.Tyr3235Cys)

Gene: FAT1 (FAT atypical cadherin 1; minus strand). Cytogenetic location: 4q35.2.
Variant type: single nucleotide variant.
Coding change: c.9704A>G on transcript NM_005245.4 (MANE Select); coding-DNA position 9704, A replaced by G.
Protein change: p.Tyr3235Cys; replaces tyrosine 3235 with cysteine.
Molecular consequence: missense variant.
Genome position (GRCh38, 1-based): chr4:186,611,535, T>C on the plus strand (A>G on the coding strand, the complement: FAT1 is on the minus strand). VCF-style: chr4-186611535-T-C. GRCh37 (hg19) VCF-style: chr4-187532689-T-C.
Other names: short protein forms Y3235C.
Identifiers: ClinVar variation 2629940 (VCV002629940.2), dbSNP rs1391733526, ClinGen allele CA358956304.

ClinVar aggregate classification (germline): Uncertain significance. Review status: criteria provided, multiple submitters, no conflicts (2 of 4 stars). 2 submissions from 2 submitters: Uncertain significance (2). Last evaluated 2025-09-22.

Conditions:
Inborn genetic diseases. Identifiers: MedGen C0950123, MeSH D030342.
FAT1-related disorder. Also called: FAT1-related condition.

Allele frequency attached by ClinVar (database versions not stated): TOPMed 0.00001; gnomAD exomes 0.00001.
gnomAD v4.1: 7 of 1,613,950 alleles (0.00043%); highest among the groups gnomAD compares: Admixed American, 0.01%; no homozygotes.

Submissions (2):

Ambry Genetics
Classification: Uncertain significance for Inborn genetic diseases. Last evaluated: 2025-09-22. Review status: criteria provided, single submitter. Criteria: Ambry Variant Classification Scheme 2023. Collection method: clinical testing. Allele origin: germline.

PreventionGenetics, part of Exact Sciences
Classification: Uncertain significance for FAT1-related condition. Last evaluated: 2022-12-20. Review status: criteria provided, single submitter. Criteria: ACMG Guidelines, 2015. Collection method: clinical testing. Allele origin: germline.
Comment: The FAT1 c.9704A>G variant is predicted to result in the amino acid substitution p.Tyr3235Cys. To our knowledge, this variant has not been reported in the literature. This variant is reported in 0.012% of alleles in individuals of Latino descent in gnomAD. At this time, the clinical significance of this variant is uncertain due to the absence of conclusive functional and genetic evidence.